The following is an entry in ClinVar:

ClinVar aggregate classification (germline): Uncertain significance (1 of 4 stars; one submission).

Allele frequency attached by ClinVar (database versions not stated): gnomAD exomes below 0.00001; TOPMed below 0.00001; ExAC 0.00001; gnomAD 0.00001.
gnomAD v4.1: 5 of 1,613,844 alleles (0.00031%); highest among the groups gnomAD compares: East Asian, 0.0045%; no homozygotes.

Submission:

Labcorp Genetics (formerly Invitae), Labcorp
Classification: Uncertain significance. Last evaluated: 2020-10-04. Review status: criteria provided, single submitter. Criteria: Invitae Variant Classification Sherloc (09022015). Collection method: clinical testing. Allele origin: germline.
Comment: In summary, the available evidence is currently insufficient to determine the role of this variant in disease. Therefore, it has been classified as a Variant of Uncertain Significance. Algorithms developed to predict the effect of missense changes on protein structure and function (SIFT, PolyPhen-2, Align-GVGD) all suggest that this variant is likely to be tolerated, but these predictions have not been confirmed by published functional studies and their clinical significance is uncertain. This variant has not been reported in the literature in individuals with SLC7A14-related conditions. This variant is present in population databases (rs755332029, ExAC 0.01%). This sequence change replaces glycine with serine at codon 454 of the SLC7A14 protein (p.Gly454Ser). The glycine residue is highly conserved and there is a small physicochemical difference between glycine and serine.

NM_020949.3(SLC7A14):c.1360G>A (p.Gly454Ser)

Genes: SLC7A14 (solute carrier family 7 member 14; minus strand), SLC7A14-AS1 (SLC7A14 antisense RNA 1; plus strand). Cytogenetic location: 3q26.2.
Variant type: single nucleotide variant.
Coding change: c.1360G>A on transcript NM_020949.3 (MANE Select); coding-DNA position 1360, G replaced by A.
Protein change: p.Gly454Ser; replaces glycine 454 with serine.
Molecular consequence: missense variant.
Genome position (GRCh38, 1-based): chr3:170,480,922, C>T on the plus strand (G>A on the coding strand, the complement: SLC7A14 is on the minus strand). VCF-style: chr3-170480922-C-T. GRCh37 (hg19) VCF-style: chr3-170198711-C-T.
Other names: short protein forms G454S.
Identifiers: ClinVar variation 943622 (VCV000943622.9), dbSNP rs755332029, ClinGen allele CA2701635.
Genomic context (GRCh38, chr3:170,480,922, plus strand): 5'-AAAACTCATCCCCCTCACTCACAGGAGAACAAGCTTCCTTCTCACAGTCAGCCAGAATGC[C>T]CTCCTTCTTCTTGGTGTGCTCCTCAGACAAGAACTTGACAAAACCATCAATGTCACTCTC-3'
Protein context (NP_066000.2, residues 444-464): LSEEHTKKKE[Gly454Ser]ILADCEKEAC